The following is an entry in ClinVar:

ClinVar aggregate classification (germline): Pathogenic/Likely pathogenic. Review status: criteria provided, multiple submitters, no conflicts (2 of 4 stars). 12 submissions from 12 submitters: Pathogenic (5); Likely pathogenic (6). 1 of the submissions does not count toward it. Last evaluated 2025-12-22.

Conditions:
ATM-related disorder. Also called: ATM-related disorders; ATM-related condition.
ATM-related cancer predisposition. Also called: ATM-related cancer susceptibility. Identifiers: MedGen CN377759, MONDO:0700270.
Hereditary cancer-predisposing syndrome. Also called: Neoplastic Syndromes, Hereditary; Hereditary Cancer Syndrome; Tumor predisposition; Hereditary neoplastic syndrome. Identifiers: Orphanet 140162, MedGen C0027672, MeSH D009386, MONDO:0015356.
Ataxia-telangiectasia syndrome (AT). Also called: Cerebello-oculocutaneous telangiectasia; Immunodeficiency with ataxia telangiectasia; LOUIS-BAR SYNDROME; Ataxia-telangiectasia, complementation group D; AT, COMPLEMENTATION GROUP C; ATAXIA-TELANGIECTASIA, COMPLEMENTATION GROUP A. Identifiers: Orphanet 100, MedGen C0004135, MONDO:0008840, OMIM 208900.
Familial cancer of breast. Also called: Hereditary breast cancer; hereditary breast carcinoma; BREAST CANCER, FAMILIAL. Identifiers: Orphanet 227535, MedGen C0346153, MONDO:0016419, OMIM 114480. Disease mechanism: loss of function.

Allele frequency attached by ClinVar (database versions not stated): TOPMed below 0.00001; gnomAD 0.00001; gnomAD exomes 0.00001.
gnomAD v4.1: 8 of 1,613,390 alleles (0.0005%); highest among the groups gnomAD compares: South Asian, 0.0011%; no homozygotes.

Submissions (12):

Labcorp Genetics (formerly Invitae), Labcorp
Classification: Pathogenic for Ataxia-telangiectasia syndrome. Last evaluated: 2025-12-22. Review status: criteria provided, single submitter. Criteria: Invitae Variant Classification Sherloc (09022015). Collection method: clinical testing. Allele origin: germline.
Comment: This sequence change replaces isoleucine, which is neutral and non-polar, with valine, which is neutral and non-polar, at codon 323 of the ATM protein (p.Ile323Val). RNA analysis indicates that this missense change induces altered splicing and likely results in the loss of 101 amino acid residue(s), but is expected to preserve the integrity of the reading-frame. This variant is present in population databases (rs587781511, gnomAD 0.003%). This missense change has been observed in individuals with ataxia telangiectasia (PMID: 10817650, 23652012, 27664052, 31050087). ClinVar contains an entry for this variant (Variation ID: 141123). Invitae Evidence Modeling of protein sequence and biophysical properties (such as structural, functional, and spatial information, amino acid conservation, physicochemical variation, residue mobility, and thermodynamic stability) indicates that this missense variant is not expected to disrupt ATM protein function with a negative predictive value of 95%. Studies have shown that this missense change results in the activation of a cryptic splice site in exon 8 (internal data). For these reasons, this variant has been classified as Pathogenic.

Natera, Inc.
Classification: Likely pathogenic for Ataxia-telangiectasia. Last evaluated: 2025-06-13. Review status: criteria provided, single submitter. Criteria: Natera Variant Classification Schema (03/2026). Collection method: clinical testing. Allele origin: germline.
Comment: The c.967A>G variant in ATM is a missense variant predicted to cause substitution of isoleucine to valine at amino acid 323. This variant is rare in the general population with a frequency below the threshold expected for the associated phenotype(s). This variant has been observed in one or more individuals affected with the associated recessive disease, as either homozygous or compound heterozygous with a second variant (PMID: 31050087, 27664052, 23652012). Computational prediction algorithms indicate this variant is likely to affect gene or protein function. Given the available evidence, this variant is classified as Likely Pathogenic.

GeneKor MSA
Classification: Likely pathogenic for Hereditary cancer-predisposing syndrome. Last evaluated: 2025-05-15. Review status: criteria provided, single submitter. Criteria: ACMG Guidelines, 2015. Collection method: clinical testing. Allele origin: germline. Affected: no.
Comment: This is a single nucleotide substitution replacing Isoleucine with Valine at codon 323 of the ATM protein p.(Ile323Val). This variant is present in population databases (rs587781511). This alteration has been observed in ovarian and pancreatic cancer patients and in individuals with Ataxia-telangiectasia (PMID:31780705, 32255556, 10817650, 27664052, 23652012, 31050087). ClinVar contains an entry for this variant (VCV000141123.20). Algorithms developed to predict the effect of missense changes on protein structure and function suggest that this variant is likely to be damaging and these predictions have been confirmed by published experimental studies (PMID:31050087). Based on the classification criteria set by the ACMG and AMP (PMID:25741868) this variant has been classified as likely pathogenic.

Ambry Genetics
Classification: Likely pathogenic for Hereditary cancer-predisposing syndrome. Last evaluated: 2025-02-24. Review status: criteria provided, single submitter. Criteria: Ambry Variant Classification Scheme 2023. Collection method: clinical testing. Allele origin: germline.
Comment: The c.967A>G variant (also known as p.I323V), located in coding exon 7 of the ATM gene, results from an A to G substitution at nucleotide position 967. The isoleucine at codon 323 is replaced by valine, an amino acid with highly similar properties. This alteration has been detected both as the only mutation and in conjunction with a second mutation in individuals diagnosed with ataxia-telangiectasia (AT) (Li M et al. Am J Med Genet. 2000; 92:170-7; Lee P. et al. Nat Commun. 2013;4:1824; Carranza D. et al. Neuromolecular Med. 2017 Mar;19(1):161-174; Berland et al J Allergy Clin Immunol 2019 01;143(1):325-334.e2). This variant was also detected in one individual diagnosed with ovarian cancer (Sugino et al Sci Rep 2019 11;9(1):17808) and one individual diagnosed with pancreatic cancer (Cremin et al Cancer Med 2020 06;9(11):4004-4013). Functional analyses of cells generated from individuals diagnosed with AT with this alteration have shown loss of ATM protein and defects in DNA repair or survival following ionizing radiation (Lee P. et al. Nat Commun. 2013;4:1824; Carranza D. et al. Neuromolecular Med. 2017 Mar;19(1):161-174). This nucleotide position is highly conserved in available vertebrate species. In silico splice site analysis predicts that this alteration will result in the creation or strengthening of a novel splice donor site. RNA studies have demonstrated that this alteration results in abnormal splicing in the set of samples tested (Ambry internal data). This variant is considered to be rare based on population cohorts in the Genome Aggregation Database (gnomAD). Based on the majority of available evidence to date, this variant is likely to be pathogenic.

Blueprint Genetics
Classification: Pathogenic for ATM-related disorders. Last evaluated: 2024-08-06. Review status: criteria provided, single submitter. Criteria: ACMG Guidelines, 2015. Collection method: clinical testing. Allele origin: germline. Affected: yes. Observed: 4 variant alleles.

Fulgent Genetics
Classification: Pathogenic for Familial cancer of breast; Ataxia-telangiectasia syndrome. Last evaluated: 2024-01-22. Review status: criteria provided, single submitter. Criteria: ACMG Guidelines, 2015. Collection method: clinical testing. Allele origin: germline.

Myriad Genetics, Inc.
Classification: Likely pathogenic for Familial cancer of breast. Last evaluated: 2024-01-11. Review status: criteria provided, single submitter. Criteria: Myriad Autosomal Dominant, Autosomal Recessive and X-Linked Classification Criteria (2023). Collection method: clinical testing. Allele origin: unknown.
Comment: This variant is considered likely pathogenic. This variant has been reported in multiple individuals with clinical features of gene-specific disease [PMID: 10817650, 27664052]. Functional studies indicate this variant impacts protein function [PMID: 27664052].

Color Diagnostics, LLC DBA Color Health
Classification: Pathogenic for Hereditary cancer-predisposing syndrome. Last evaluated: 2023-10-03. Review status: criteria provided, single submitter. Criteria: ACMG Guidelines, 2015. Collection method: clinical testing. Allele origin: germline.
Comment: This c.967A>G variant is predicted to replace isoleucine with valine at codon 323 of the ATM protein. Splice site prediction tools suggest that this variant may impact RNA splicing by creating a new splice donor site. An RNA study using cells from a homozygous individual has shown that this variant results in two transcripts: the major one with an out-of-frame deletion including 99 bases of exon 8 and the entire exon 9 (r.967_1235del, p.Ile323Alafs*17) and the minor transcript with only in-frame deletion of 99 bases of exon 8 (r.967_1065del, p.Ile323_Gln355del) (PMID: 31050087). The transcript with the r.967A>G (p.Ile323Val) missense variant was not detected in this study, indicating almost complete splicing defect due to the c.967A>G variant. This variant has been reported in multiple individuals affected with ataxia telangiectasia in compound heterozygous state with another pathogenic variant (PMID: 10817650, 23652012, 27664052) or in homozygous state (PMID: 31050087). This variant has been identified in 2/251086 chromosomes in the general population by the Genome Aggregation Database (gnomAD). Based on the available evidence, this variant is classified as Pathogenic.

GeneDx
Classification: Likely pathogenic. Last evaluated: 2023-06-13. Review status: criteria provided, single submitter. Criteria: GeneDx Variant Classification Process June 2021. Collection method: clinical testing. Allele origin: germline. Affected: yes.
Comment: Patient-derived cells from a homozygous A-T patient, also harboring another homozygous ATM variant, demonstrated aberrant splicing, resulting an out-of-frame transcript leading to protein truncation (Fievet et al., 2019); In silico analysis supports a deleterious effect on splicing; Not observed at significant frequency in large population cohorts (gnomAD); In silico analysis supports that this missense variant does not alter protein structure/function; This variant is associated with the following publications: (PMID: 23652012, 22529920, 26659599, 24145436, 10817650, 26246501, 31050087, 29906526, 27664052, 35245693, 31780705, 32255556)

Johns Hopkins Genomics, Johns Hopkins University
Classification: Pathogenic for Ataxia-telangiectasia syndrome. Last evaluated: 2021-04-07. Review status: criteria provided, single submitter. Criteria: ACMG Guidelines, 2015. Collection method: clinical testing. Allele origin: germline.

University Health Network, Familial Cancer Clinic, Princess Margaret Cancer Centre
Classification: Likely pathogenic for ATM-related cancer predisposition. Review status: criteria provided, single submitter. Criteria: ACMG Guidelines, 2015. Collection method: clinical testing. Allele origin: germline. Inheritance: Autosomal dominant inheritance. Affected: yes. Observed: 1 variant allele.

Counsyl
Classification: Likely pathogenic for Ataxia-telangiectasia syndrome. Last evaluated: 2017-09-28. Review status: no assertion criteria provided. Collection method: clinical testing. Allele origin: unknown. Not counted in ClinVar's aggregate classification.

Literature cited by the submitters: PubMed 10817650 (cited by 6 submitters); PubMed 23652012 (cited by 5 submitters); PubMed 27664052 (cited by 7 submitters); PubMed 31050087 (cited by 5 submitters); PubMed 31780705 (cited by GeneKor MSA and Ambry Genetics); PubMed 32255556 (cited by GeneKor MSA and Ambry Genetics); PubMed 22529920 (cited by Ambry Genetics); PubMed 29906526 (cited by Ambry Genetics).

NM_000051.4(ATM):c.967A>G (p.Ile323Val)

Gene: ATM (ATM serine/threonine kinase; plus strand). Cytogenetic location: 11q22.3.
Variant type: single nucleotide variant.
Coding change: c.967A>G on transcript NM_000051.4 (MANE Select); coding-DNA position 967, A replaced by G.
Protein change: p.Ile323Val; replaces isoleucine 323 with valine.
Molecular consequence: missense variant.
Genome position (GRCh38, 1-based): chr11:108,247,029, A>G. VCF-style: chr11-108247029-A-G. GRCh37 (hg19) VCF-style: chr11-108117756-A-G.
Other names: c.967A>G, p.Ile323Val (NM_001351834.2); short protein forms I323V.
Identifiers: ClinVar variation 141123 (VCV000141123.25), dbSNP rs587781511, ClinGen allele CA164527.
Genomic context (GRCh38, chr11:108,247,029, plus strand): 5'-TATGAATCAACAAAATGGAGAAGTATTTTATACAACTTATATGATCTGCTAGTGAATGAG[A>G]TAAGTCATATAGGAAGTAGAGGAAAGTATTCTTCAGGATTTCGTAATATTGCCGTCAAAG-3'
Protein context (NP_000042.3, residues 313-333): YNLYDLLVNE[Ile323Val]SHIGSRGKYS